The following is an entry in ClinVar:

ClinVar aggregate classification (germline): Uncertain significance (1 of 4 stars; one submission).

Conditions:
Primary ciliary dyskinesia 33. Also called: CILIARY DYSKINESIA, PRIMARY, 33, WITHOUT SITUS INVERSUS. Identifiers: Orphanet 244, MedGen C4225230, MONDO:0014750, OMIM 616726.

Allele frequency attached by ClinVar (database versions not stated): gnomAD 0.00001; ExAC 0.00002; TOPMed 0.00004.
gnomAD v4.1: 5 of 1,611,868 alleles (0.00031%); highest among the groups gnomAD compares: Admixed American, 0.0067%; no homozygotes.

Submission:

Labcorp Genetics (formerly Invitae), Labcorp
Classification: Uncertain significance for Primary ciliary dyskinesia 33. Last evaluated: 2020-07-14. Review status: criteria provided, single submitter. Criteria: Invitae Variant Classification Sherloc (09022015). Collection method: clinical testing. Allele origin: germline.
Comment: In summary, the available evidence is currently insufficient to determine the role of this variant in disease. Therefore, it has been classified as a Variant of Uncertain Significance. Algorithms developed to predict the effect of missense changes on protein structure and function output the following: SIFT: "Tolerated"; PolyPhen-2: "Benign"; Align-GVGD: "Class C0". The serine amino acid residue is found in multiple mammalian species, suggesting that this missense change does not adversely affect protein function. These predictions have not been confirmed by published functional studies and their clinical significance is uncertain. This variant has not been reported in the literature in individuals with GAS8-related conditions. This variant is present in population databases (rs761154837, ExAC 0.03%). This sequence change replaces threonine with serine at codon 231 of the GAS8 protein (p.Thr231Ser). The threonine residue is weakly conserved and there is a small physicochemical difference between threonine and serine.

NM_001481.3(DRC4):c.692C>G (p.Thr231Ser)

Gene: DRC4 (dynein regulatory complex subunit 4; plus strand). Cytogenetic location: 16q24.3.
Variant type: single nucleotide variant.
Coding change: c.692C>G on transcript NM_001481.3 (MANE Select); coding-DNA position 692, C replaced by G.
Protein change: p.Thr231Ser; replaces threonine 231 with serine.
Molecular consequence: missense variant.
Genome position (GRCh38, 1-based): chr16:90,036,522, C>G. VCF-style: chr16-90036522-C-G. GRCh37 (hg19) VCF-style: chr16-90102930-C-G.
Other names: c.443C>G, p.Thr148Ser (NM_001286205.2); c.116C>G, p.Thr39Ser (NM_001286208.2); c.617C>G, p.Thr206Ser (NM_001286209.2); short protein forms T206S, T39S, T148S, T231S.
Identifiers: ClinVar variation 1042215 (VCV001042215.8), dbSNP rs761154837, ClinGen allele CA8257919.